The following is an entry in ClinVar:

ClinVar aggregate classification (germline): Uncertain significance (1 of 4 stars; one submission).

Conditions:
Fanconi anemia (FA). Also called: Fanconi's anemia. Identifiers: Orphanet 84, MedGen C0015625, MeSH D005199, MONDO:0019391.

Submission:

Labcorp Genetics (formerly Invitae), Labcorp
Classification: Uncertain significance for Fanconi anemia. Last evaluated: 2022-01-06. Review status: criteria provided, single submitter. Criteria: Invitae Variant Classification Sherloc (09022015). Collection method: clinical testing. Allele origin: germline.
Comment: Algorithms developed to predict the effect of missense changes on protein structure and function output the following: SIFT: "Tolerated"; PolyPhen-2: "Benign"; Align-GVGD: "Class C0". The methionine amino acid residue is found in multiple mammalian species, which suggests that this missense change does not adversely affect protein function. In summary, the available evidence is currently insufficient to determine the role of this variant in disease. Therefore, it has been classified as a Variant of Uncertain Significance. This variant has not been reported in the literature in individuals affected with FANCL-related conditions. This variant is not present in population databases (gnomAD no frequency). This sequence change replaces valine, which is neutral and non-polar, with methionine, which is neutral and non-polar, at codon 41 of the FANCL protein (p.Val41Met).

NM_018062.4(FANCL):c.121G>A (p.Val41Met)

Gene: FANCL (FA complementation group L; minus strand). Cytogenetic location: 2p16.1.
Variant type: single nucleotide variant.
Coding change: c.121G>A on transcript NM_018062.4 (MANE Select); coding-DNA position 121, G replaced by A.
Protein change: p.Val41Met; replaces valine 41 with methionine.
Molecular consequence: missense variant.
Genome position (GRCh38, 1-based): chr2:58,232,088, C>T on the plus strand (G>A on the coding strand, the complement: FANCL is on the minus strand). VCF-style: chr2-58232088-C-T. GRCh37 (hg19) VCF-style: chr2-58459223-C-T.
Other names: c.121G>A, p.Val41Met (NM_001114636.2, NM_001374615.1, NM_001410792.1); short protein forms V41M.
Identifiers: ClinVar variation 2076526 (VCV002076526.4), dbSNP rs763523035, ClinGen allele CA347034963.
Genomic context (GRCh38, chr2:58,232,088, plus strand): 5'-ACGTTTATAACTAAACACCATATCACCTTGCATTCTTCAGTTGTAAATCTTCAGGCAACA[C>T]TATCCTAAGGTGGAAGTCTCTTCCCTGTGGAAAATATTGAAAAGGATCACTCAAATTTTT-3'
Protein context (NP_060532.2, residues 31-51): AQGRDFHLRI[Val41Met]LPEDLQLKNA